The following is an entry in ClinVar:

NM_005340.7(HINT1):c.316C>T (p.Gln106Ter)

Gene: HINT1 (histidine triad nucleotide binding protein 1; minus strand). Cytogenetic location: 5q23.3.
Variant type: single nucleotide variant.
Coding change: c.316C>T on transcript NM_005340.7 (MANE Select); coding-DNA position 316, C replaced by T.
Protein change: p.Gln106Ter; replaces glutamine 106 with a stop codon.
Molecular consequence: nonsense. On other transcripts: non-coding transcript variant (5).
Genome position (GRCh38, 1-based): chr5:131,159,512, G>A on the plus strand (C>T on the coding strand, the complement: HINT1 is on the minus strand). VCF-style: chr5-131159512-G-A. GRCh37 (hg19) VCF-style: chr5-130495205-G-A.
Other names: short protein forms Q106*.
Identifiers: ClinVar variation 637252 (VCV000637252.52), dbSNP rs1028404937, ClinGen allele CA127814746.

ClinVar aggregate classification (germline): Pathogenic. Review status: criteria provided, multiple submitters, no conflicts (2 of 4 stars). 3 submissions from 3 submitters: Pathogenic (2). 1 of the submissions does not count toward it. Last evaluated 2025-12-04.

Conditions:
Charcot-Marie-Tooth disease. Also called: Charcot-Marie-Tooth Hereditary Neuropathy; Charcot-Marie-Tooth Neuropathy. Identifiers: Orphanet 166, MedGen C0007959, MONDO:0015626.
Autosomal recessive axonal neuropathy with neuromyotonia (NMAN). Also called: Neuromyotonia and axonal neuropathy, autosomal recessive; MYOKYMIA, MYOTONIA, AND MUSCLE WASTING; Gamstorp-Wohlfart syndrome. Identifiers: Orphanet 324442, MedGen C5700127, MONDO:0007646, OMIM 137200.

Allele frequency attached by ClinVar (database versions not stated): gnomAD exomes below 0.00001 and 0.00001.

Submissions (3):

Labcorp Genetics (formerly Invitae), Labcorp
Classification: Pathogenic for Autosomal recessive axonal neuropathy with neuromyotonia. Last evaluated: 2025-12-04. Review status: criteria provided, single submitter. Criteria: Invitae Variant Classification Sherloc (09022015). Collection method: clinical testing. Allele origin: germline.
Comment: This sequence change creates a premature translational stop signal (p.Gln106*) in the HINT1 gene. While this is not anticipated to result in nonsense mediated decay, it is expected to disrupt the last 21 amino acid(s) of the HINT1 protein. This variant is present in population databases (no rsID available, gnomAD 0.0009%). This premature translational stop signal has been observed in individuals with HINT1-related conditions (PMID: 25342199). ClinVar contains an entry for this variant (Variation ID: 637252). This variant disrupts a region of the HINT1 protein in which other variant(s) (p.Trp123*) have been determined to be pathogenic (PMID: 22961002, 29787766). This suggests that this is a clinically significant region of the protein, and that variants that disrupt it are likely to be disease-causing. For these reasons, this variant has been classified as Pathogenic.

CeGaT Center for Human Genetics Tuebingen
Classification: Pathogenic. Last evaluated: 2020-06-01. Review status: criteria provided, single submitter. Criteria: CeGaT Center For Human Genetics Tuebingen Variant Classification Criteria Version 2. Collection method: clinical testing. Allele origin: germline. Affected: yes. Observed: 2 variant alleles.

Inherited Neuropathy Consortium
Classification: Uncertain significance for Charcot-Marie-Tooth disease. Review status: no assertion criteria provided. Collection method: literature only. Allele origin: germline. Affected: yes. Not counted in ClinVar's aggregate classification.

Literature cited by the submitters: PubMed 25342199 (cited by Labcorp Genetics (formerly Invitae), Labcorp and Inherited Neuropathy Consortium); PubMed 22961002 (cited by Labcorp Genetics (formerly Invitae), Labcorp); PubMed 29787766 (cited by Labcorp Genetics (formerly Invitae), Labcorp).